The following is an entry in ClinVar:

NM_025137.4(SPG11):c.2991G>A (p.Leu997=)

Gene: SPG11 (SPG11 vesicle trafficking associated, spatacsin; minus strand). Cytogenetic location: 15q21.1.
Variant type: single nucleotide variant.
Coding change: c.2991G>A on transcript NM_025137.4 (MANE Select); coding-DNA position 2991, G replaced by A.
Protein change: p.Leu997=; no amino-acid change (leucine 997 retained).
Molecular consequence: synonymous variant.
Genome position (GRCh38, 1-based): chr15:44,615,410, C>T on the plus strand (G>A on the coding strand, the complement: SPG11 is on the minus strand). VCF-style: chr15-44615410-C-T. GRCh37 (hg19) VCF-style: chr15-44907608-C-T.
Other names: c.2991G>A, p.Leu997= (NM_001160227.2).
Identifiers: ClinVar variation 661014 (VCV000661014.7), dbSNP rs200122358, ClinGen allele CA270068331.
Genomic context (GRCh38, chr15:44,615,410, plus strand): 5'-TCTCAGTACTCACTTGTAACAGTCAAGGTAGACATAAAGAAGATGCTGCAGACTGTGCTC[C>T]AAACAATAGAGAATGAATTGAGAATGGAAATCCCAACCTTCTTTGGTCTTGTAGTTTTGA-3'
Protein context (NP_079413.3, residues 987-1007): DFHSQFILYC[Leu997=]EHSLQHLLYV

ClinVar aggregate classification (germline): Uncertain significance (1 of 4 stars; one submission).

Conditions:
Hereditary spastic paraplegia 11. Also called: Spastic paraplegia, mental retardation and thin corpus callosum; Nakamura Osame syndrome; Autosomal recessive hereditary spastic paraplegia, mental impairment, and thin corpus callosum; SPASTIC PARAPLEGIA, AUTOSOMAL RECESSIVE, COMPLICATED, WITH THIN CORPUS CALLOSUM; SPASTIC PARAPLEGIA, AUTOSOMAL RECESSIVE, WITH MENTAL IMPAIRMENT AND THIN CORPUS CALLOSUM; Spastic Paraplegia 11. Identifiers: Orphanet 2822, MedGen C1858479, MONDO:0011445, OMIM 604360.

Allele frequency attached by ClinVar (database versions not stated): gnomAD exomes below 0.00001; gnomAD 0.00001.
gnomAD v4.1: 2 of 1,613,916 alleles (0.00012%); highest among the groups gnomAD compares: African/African-American, 0.0013%; no homozygotes.

Submission:

Labcorp Genetics (formerly Invitae), Labcorp
Classification: Uncertain significance for Hereditary spastic paraplegia 11. Last evaluated: 2026-01-14. Review status: criteria provided, single submitter. Criteria: Invitae Variant Classification Sherloc (09022015). Collection method: clinical testing. Allele origin: germline.
Comment: This sequence change affects codon 997 of the SPG11 mRNA. It is a 'silent' change, meaning that it does not change the encoded amino acid sequence of the SPG11 protein. This variant is present in population databases (rs200122358, gnomAD 0.01%). This variant has not been reported in the literature in individuals affected with SPG11-related conditions. ClinVar contains an entry for this variant (Variation ID: 661014). Algorithms developed to predict the effect of sequence changes on RNA splicing suggest that this variant may disrupt the consensus splice site. In summary, the available evidence is currently insufficient to determine the role of this variant in disease. Therefore, it has been classified as a Variant of Uncertain Significance.